The following is an entry in ClinVar:

ClinVar aggregate classification (germline): Likely benign (1 of 4 stars; one submission).

Allele frequency attached by ClinVar (database versions not stated): gnomAD exomes 0.00027; 1000 Genomes Project 0.00240; gnomAD 0.00286 and 0.00307; 1000 Genomes Project 30x 0.00312; TOPMed 0.00323.
gnomAD v4.1: 515 of 445,224 alleles (0.12%); highest among the groups gnomAD compares: African/African-American, 0.96%; 4 homozygotes.

Submission:

GeneDx
Classification: Likely benign. Last evaluated: 2018-06-18. Review status: criteria provided, single submitter. Criteria: GeneDx Variant Classification (06012015). Collection method: clinical testing. Allele origin: germline. Affected: yes.
Comment: This variant is considered likely benign or benign based on one or more of the following criteria: it is a conservative change, it occurs at a poorly conserved position in the protein, it is predicted to be benign by multiple in silico algorithms, and/or has population frequency not consistent with disease.

NM_006231.4(POLE):c.3060+188A>T

Gene: POLE (DNA polymerase epsilon, catalytic subunit; minus strand). Cytogenetic location: 12q24.33.
Variant type: single nucleotide variant.
Coding change: c.3060+188A>T on transcript NM_006231.4 (MANE Select); 188 bases into the intron after coding-DNA position 3060, A replaced by T.
Molecular consequence: intron variant.
Genome position (GRCh38, 1-based): chr12:132,660,781, T>A on the plus strand (A>T on the coding strand, the complement: POLE is on the minus strand). VCF-style: chr12-132660781-T-A. GRCh37 (hg19) VCF-style: chr12-133237367-T-A.
Identifiers: ClinVar variation 670617 (VCV000670617.1), dbSNP rs5744847, ClinGen allele CA246316872.